The following is an entry in ClinVar:

NM_198282.4(STING1):c.688G>A (p.Gly230Ser)

Gene: STING1 (stimulator of interferon response cGAMP interactor 1; minus strand). Cytogenetic location: 5q31.2.
Variant type: single nucleotide variant.
Coding change: c.688G>A on transcript NM_198282.4 (MANE Select); coding-DNA position 688, G replaced by A.
Protein change: p.Gly230Ser; replaces glycine 230 with serine.
Molecular consequence: missense variant.
Genome position (GRCh38, 1-based): chr5:139,478,341, C>T on the plus strand (G>A on the coding strand, the complement: STING1 is on the minus strand). VCF-style: chr5-139478341-C-T. GRCh37 (hg19) VCF-style: chr5-138857926-C-T.
Other names: c.688G>A, p.Gly230Ser (NM_001301738.2); c.331G>A, p.Gly111Ser (NM_001367258.1); short protein forms G230S, G111S.
Identifiers: ClinVar variation 850236 (VCV000850236.13), dbSNP rs370230460, ClinGen allele CA3435345.

ClinVar aggregate classification (germline): Uncertain significance. Review status: criteria provided, multiple submitters, no conflicts (2 of 4 stars). 3 submissions from 3 submitters: Uncertain significance (3). Last evaluated 2025-10-07.

Conditions:
STING-associated vasculopathy with onset in infancy. Also called: Sting-associated vasculopathy, infantile-onset. Identifiers: Orphanet 425120, MedGen C4014722, MONDO:0014405, OMIM 615934.

Allele frequency attached by ClinVar (database versions not stated): ExAC 0.00001; gnomAD exomes 0.00001; gnomAD 0.00002 and 0.00003; TOPMed 0.00003; ESP Exome Variant Server 0.00008.

Submissions (3):

Labcorp Genetics (formerly Invitae), Labcorp
Classification: Uncertain significance for STING-associated vasculopathy with onset in infancy. Last evaluated: 2025-10-07. Review status: criteria provided, single submitter. Criteria: Invitae Variant Classification Sherloc (09022015). Collection method: clinical testing. Allele origin: germline.
Comment: This sequence change replaces glycine, which is neutral and non-polar, with serine, which is neutral and polar, at codon 230 of the TMEM173 protein (p.Gly230Ser). This variant is present in population databases (rs370230460, gnomAD 0.007%). This variant has not been reported in the literature in individuals affected with TMEM173-related conditions. ClinVar contains an entry for this variant (Variation ID: 850236). Invitae Evidence Modeling of protein sequence and biophysical properties (such as structural, functional, and spatial information, amino acid conservation, physicochemical variation, residue mobility, and thermodynamic stability) indicates that this missense variant is not expected to disrupt TMEM173 protein function with a negative predictive value of 80%. In summary, the available evidence is currently insufficient to determine the role of this variant in disease. Therefore, it has been classified as a Variant of Uncertain Significance.

Revvity Omics, Revvity
Classification: Uncertain significance for STING-associated vasculopathy with onset in infancy. Last evaluated: 2022-09-02. Review status: criteria provided, single submitter. Criteria: ACMG Guidelines, 2015. Collection method: clinical testing. Allele origin: germline.

Blueprint Genetics
Classification: Uncertain significance. Last evaluated: 2022-02-06. Review status: criteria provided, single submitter. Criteria: ACMG Guidelines, 2015. Collection method: clinical testing. Allele origin: germline.